The following is an entry in ClinVar:

NM_000051.4(ATM):c.4816C>A (p.Leu1606Ile)

Gene: ATM (ATM serine/threonine kinase; plus strand). Cytogenetic location: 11q22.3.
Variant type: single nucleotide variant.
Coding change: c.4816C>A on transcript NM_000051.4 (MANE Select); coding-DNA position 4816, C replaced by A.
Protein change: p.Leu1606Ile; replaces leucine 1606 with isoleucine.
Molecular consequence: missense variant.
Genome position (GRCh38, 1-based): chr11:108,294,966, C>A. VCF-style: chr11-108294966-C-A. GRCh37 (hg19) VCF-style: chr11-108165693-C-A.
Other names: c.4816C>A, p.Leu1606Ile (NM_001351834.2); short protein forms L1606I.
Identifiers: ClinVar variation 3452992 (VCV003452992.1).

ClinVar aggregate classification (germline): Uncertain significance (1 of 4 stars; one submission).

Conditions:
Hereditary cancer-predisposing syndrome. Also called: Tumor predisposition; Neoplastic Syndromes, Hereditary; Hereditary neoplastic syndrome; Hereditary Cancer Syndrome. Identifiers: Orphanet 140162, MedGen C0027672, MeSH D009386, MONDO:0015356.

Submission:

Ambry Genetics
Classification: Uncertain significance for Hereditary cancer-predisposing syndrome. Last evaluated: 2024-12-01. Review status: criteria provided, single submitter. Criteria: Ambry Variant Classification Scheme 2023. Collection method: clinical testing. Allele origin: germline.
Comment: The p.L1606I variant (also known as c.4816C>A), located in coding exon 31 of the ATM gene, results from a C to A substitution at nucleotide position 4816. The leucine at codon 1606 is replaced by isoleucine, an amino acid with highly similar properties. This amino acid position is conserved. In addition, this alteration is predicted to be tolerated by in silico analysis. Based on the available evidence, the clinical significance of this variant remains unclear.